The following is an entry in ClinVar:

NM_004863.4(SPTLC2):c.686T>A (p.Val229Glu)

Gene: SPTLC2 (serine palmitoyltransferase long chain base subunit 2; minus strand). Cytogenetic location: 14q24.3.
Variant type: single nucleotide variant.
Coding change: c.686T>A on transcript NM_004863.4 (MANE Select); coding-DNA position 686, T replaced by A.
Protein change: p.Val229Glu; replaces valine 229 with glutamic acid.
Molecular consequence: missense variant.
Genome position (GRCh38, 1-based): chr14:77,570,454, A>T on the plus strand (T>A on the coding strand, the complement: SPTLC2 is on the minus strand). VCF-style: chr14-77570454-A-T. GRCh37 (hg19) VCF-style: chr14-78036797-A-T.
Other names: p.Val229Glu; short protein forms V229E.
Identifiers: ClinVar variation 4541892 (VCV004541892.1).

ClinVar aggregate classification (germline): Uncertain significance (1 of 4 stars; one submission).

Submission:

Mayo Clinic Laboratories, Mayo Clinic
Classification: Uncertain significance. Last evaluated: 2024-11-12. Review status: criteria provided, single submitter. Criteria: ACMG Guidelines, 2015. Collection method: clinical testing. Allele origin: germline. Observed: 1 variant allele.
Comment: PP3, PM2_supporting